The following is an entry in ClinVar:

NM_014915.3(ANKRD26):c.2819_2823del (p.Lys940fs)

Gene: ANKRD26 (ankyrin repeat domain containing 26; minus strand). Cytogenetic location: 10p12.1.
Variant type: Microsatellite.
Coding change: c.2819_2823del on transcript NM_014915.3 (MANE Select); coding-DNA positions 2819 to 2823, 5 bases deleted (AGAAA; older notation c.2819_2823delAGAAA).
Protein change: p.Lys940fs; shifts the reading frame from lysine 940.
Molecular consequence: frameshift variant.
Genome position (GRCh38, 1-based): chr10:27,035,627-27,035,631, TTTCT deleted on the plus strand (AGAAA on the coding strand, the reverse complement: ANKRD26 is on the minus strand); deleting any 5 consecutive bases within chr10:27,035,627-27,035,639 gives the same sequence; the c. name uses the placement nearest the transcript's 3' end. VCF-style (leftmost placement, unchanged base first): chr10-27035626-ATTTCT-A. GRCh37 (hg19) VCF-style: chr10-27324555-ATTTCT-A.
Other names: c.2816_2820del, p.Lys939fs (NM_001256053.2); c.2811_2815AAAAG[1], p.Lys940Metfs (NM_014915.2); c.2819_2823del (NM_014915.2); short protein forms K939fs, K940fs.
Identifiers: ClinVar variation 3370864 (VCV003370864.1).
Genomic context (GRCh38, chr10:27,035,626, plus strand): 5'-GTTTTATAGTCTTCTGAAGGTCTTCATTCTTTTCTTTTACAATTTTAAGGTCCTCAAAAC[ATTTCT>A]TTTCTTTTTCCTGGTTTTGATTTTTTATTGTGTCTATTTCTAGTCTTAGCATAGCAATTT-3'

ClinVar aggregate classification (germline): Uncertain significance (1 of 4 stars; one submission).

Submission:

GeneDx
Classification: Uncertain significance. Last evaluated: 2024-03-13. Review status: criteria provided, single submitter. Criteria: GeneDx Variant Classification Process June 2021. Collection method: clinical testing. Allele origin: germline. Affected: yes.
Comment: Not observed at significant frequency in large population cohorts (gnomAD); Has not been previously published as pathogenic or benign to our knowledge; Frameshift variant predicted to result in protein truncation or nonsense mediated decay in a gene for which loss-of-function is not a known mechanism of disease